The following is an entry in ClinVar:

ClinVar aggregate classification (germline): Uncertain significance (1 of 4 stars; one submission).

Conditions:
Melnick-Needles syndrome (MNS). Also called: MELNICK-NEEDLES OSTEODYSPLASTY; OSTEODYSPLASTY OF MELNICK AND NEEDLES; Melnick-Needles Syndrome (FLNA-MNS). Identifiers: Orphanet 2484, MedGen C0025237, MONDO:0010650, OMIM 309350.
Frontometaphyseal dysplasia (FMD1). Identifiers: Orphanet 1826, MedGen C0265293, MONDO:0015942.
Heterotopia, periventricular, X-linked dominant (PVNH1). Also called: PERIVENTRICULAR NODULAR HETEROTOPIA 1; X-linked periventricular heterotopia; PERIVENTRICULAR NODULAR HETEROTOPIA 4; HETEROTOPIA, PERIVENTRICULAR, 1. Identifiers: Orphanet 2149, Orphanet 82004, MedGen C1848213, MONDO:0010233, OMIM 300049.
Oto-palato-digital syndrome, type II (OPD2). Also called: FACIOPALATOOSSEOUS SYNDROME; OPD II SYNDROME; Otopalatodigital Syndrome, Type II; Otopalatodigital Syndrome Type 2 (FLNA-OPD2). Identifiers: Orphanet 669, Orphanet 90652, MedGen C1844696, MONDO:0010571, OMIM 304120.

gnomAD v4.1: 1 of 1,211,827 alleles (0.000083%); highest among the groups gnomAD compares: South Asian, 0.0018%; no homozygotes.

Submission:

Labcorp Genetics (formerly Invitae), Labcorp
Classification: Uncertain significance for Oto-palato-digital syndrome, type II; Heterotopia, periventricular, X-linked dominant; Frontometaphyseal dysplasia; Melnick-Needles syndrome. Last evaluated: 2024-03-16. Review status: criteria provided, single submitter. Criteria: Invitae Variant Classification Sherloc (09022015). Collection method: clinical testing. Allele origin: germline.
Comment: This sequence change falls in intron 45 of the FLNA gene. It does not directly change the encoded amino acid sequence of the FLNA protein. It affects a nucleotide within the consensus splice site. This variant is not present in population databases (gnomAD no frequency). This variant has not been reported in the literature in individuals affected with FLNA-related conditions. Variants that disrupt the consensus splice site are a relatively common cause of aberrant splicing (PMID: 17576681, 9536098). Algorithms developed to predict the effect of sequence changes on RNA splicing suggest that this variant may create or strengthen a splice site. In summary, the available evidence is currently insufficient to determine the role of this variant in disease. Therefore, it has been classified as a Variant of Uncertain Significance.

Literature cited by the submitters: PubMed 17576681; PubMed 9536098.

NM_001110556.2(FLNA):c.7552+5G>T

Gene: FLNA (filamin A; minus strand). Cytogenetic location: Xq28.
Variant type: single nucleotide variant.
Coding change: c.7552+5G>T on transcript NM_001110556.2 (MANE Select); 5 bases into the intron after coding-DNA position 7552, G replaced by T.
Molecular consequence: intron variant.
Genome position (GRCh38, 1-based): chrX:154,349,644, C>A on the plus strand (G>T on the coding strand, the complement: FLNA is on the minus strand). VCF-style: chrX-154349644-C-A. GRCh37 (hg19) VCF-style: chrX-153578012-C-A.
Other names: c.7528+5G>T (NM_001456.4).
Identifiers: ClinVar variation 3755316 (VCV003755316.2).